The following is an entry in ClinVar:

ClinVar aggregate classification (germline): Uncertain significance (1 of 4 stars; one submission).

Allele frequency attached by ClinVar (database versions not stated): ExAC 0.00003; gnomAD 0.00003; gnomAD exomes 0.00003 and 0.00006; TOPMed 0.00003; ESP Exome Variant Server 0.00008.
gnomAD v4.1: 84 of 1,595,596 alleles (0.0053%); highest among the groups gnomAD compares: Non-Finnish European, 0.007%; no homozygotes.

Submission:

Labcorp Genetics (formerly Invitae), Labcorp
Classification: Uncertain significance. Last evaluated: 2024-10-22. Review status: criteria provided, single submitter. Criteria: Invitae Variant Classification Sherloc (09022015). Collection method: clinical testing. Allele origin: germline.
Comment: This sequence change falls in intron 15 of the CCT2 gene. It does not directly change the encoded amino acid sequence of the CCT2 protein. It affects a nucleotide within the consensus splice site. The frequency data for this variant in the population databases is considered unreliable, as metrics indicate poor data quality at this position in the gnomAD database. This variant has not been reported in the literature in individuals affected with CCT2-related conditions. ClinVar contains an entry for this variant (Variation ID: 1351281). Variants that disrupt the consensus splice site are a relatively common cause of aberrant splicing (PMID: 17576681, 9536098). Algorithms developed to predict the effect of sequence changes on RNA splicing suggest that this variant is not likely to affect RNA splicing. In summary, the available evidence is currently insufficient to determine the role of this variant in disease. Therefore, it has been classified as a Variant of Uncertain Significance.

Literature cited by the submitters: PubMed 17576681; PubMed 9536098.

NM_006431.3(CCT2):c.1577+4C>T

Gene: CCT2 (chaperonin containing TCP1 subunit 2; plus strand). Cytogenetic location: 12q15.
Variant type: single nucleotide variant.
Coding change: c.1577+4C>T on transcript NM_006431.3 (MANE Select); 4 bases into the intron after coding-DNA position 1577, C replaced by T.
Molecular consequence: intron variant.
Genome position (GRCh38, 1-based): chr12:69,600,008, C>T. VCF-style: chr12-69600008-C-T. GRCh37 (hg19) VCF-style: chr12-69993788-C-T.
Other names: c.1436+4C>T (NM_001198842.2).
Identifiers: ClinVar variation 1351281 (VCV001351281.6), dbSNP rs376741199, ClinGen allele CA6680908.
Genomic context (GRCh38, chr12:69,600,008, plus strand): 5'-AGCTGAAGCAGCAGAGGTGATTCTGCGTGTGGACAACATCATCAAAGCGGCACCCAGGTA[C>T]CCTAACACTTTTCTCAGAAAAAATTACTAACAGCAAAACAAAATAGGGAGCTGTATTTAT-3'